The following is an entry in ClinVar:

ClinVar aggregate classification (germline): Benign. Review status: criteria provided, multiple submitters, no conflicts (2 of 4 stars). 15 submissions from 15 submitters: Benign (13). 2 of the submissions do not count toward it. Last evaluated 2026-02-04.

Conditions:
Cardiovascular phenotype. Identifiers: MedGen CN230736.
Telangiectasia, hereditary hemorrhagic, type 2 (HHT2). Also called: ACVRL1-Related Hereditary Hemorrhagic Telangiectasia; Telangiectasia, hereditary hemorrhagic, type II. Identifiers: Orphanet 774, MedGen C1838163, MONDO:0010880, OMIM 600376. Disease mechanism: loss of function.

Allele frequency attached by ClinVar (database versions not stated): gnomAD exomes 0.00478 and 0.01100; ExAC 0.01443; gnomAD 0.03904 and 0.04166; TOPMed 0.04362; ESP Exome Variant Server 0.04559; 1000 Genomes Project 0.04613; 1000 Genomes Project 30x 0.04747.
gnomAD v4.1: 13,231 of 1,613,684 alleles (0.82%); highest among the groups gnomAD compares: African/African-American, 13%; 702 homozygotes.

Submissions (15):

Labcorp Genetics (formerly Invitae), Labcorp
Classification: Benign for Telangiectasia, hereditary hemorrhagic, type 2. Last evaluated: 2026-02-04. Review status: criteria provided, single submitter. Criteria: Invitae Variant Classification Sherloc (09022015). Collection method: clinical testing. Allele origin: germline.

ARUP Laboratories, Molecular Genetics and Genomics, ARUP Laboratories
Classification: Benign for Telangiectasia, hereditary hemorrhagic, type 2. Last evaluated: 2025-07-07. Review status: criteria provided, single submitter. Criteria: ARUP Molecular Germline Variant Investigation Process 2024. Collection method: clinical testing. Allele origin: germline.

Blueprint Genetics
Classification: Benign. Last evaluated: 2024-11-13. Review status: criteria provided, single submitter. Criteria: ACMG Guidelines, 2015. Collection method: clinical testing. Allele origin: germline.

Genome-Nilou Lab
Classification: Benign for Telangiectasia, hereditary hemorrhagic, type 2. Last evaluated: 2021-12-05. Review status: criteria provided, single submitter. Criteria: ACMG Guidelines, 2015. Collection method: clinical testing. Allele origin: germline. Affected: no.

Mayo Clinic Laboratories, Mayo Clinic
Classification: Benign. Last evaluated: 2021-08-10. Review status: criteria provided, single submitter. Criteria: ACMG Guidelines, 2015. Collection method: clinical testing. Allele origin: germline. Observed: 44 variant alleles.
Comment: BA1

Women's Health and Genetics/Laboratory Corporation of America, LabCorp
Classification: Benign. Last evaluated: 2021-07-08. Review status: criteria provided, single submitter. Criteria: LabCorp Variant Classification Summary - May 2015. Collection method: clinical testing. Allele origin: germline.

Illumina Laboratory Services, Illumina
Classification: Benign for Telangiectasia, hereditary hemorrhagic, type 2. Last evaluated: 2018-01-12. Review status: criteria provided, single submitter. Criteria: ICSL Variant Classification Criteria 13 December 2019. Collection method: clinical testing. Allele origin: germline.
Comment: This variant was observed in the ICSL laboratory as part of a predisposition screen in an ostensibly healthy population. It had not been previously curated by ICSL or reported in the Human Gene Mutation Database (HGMD: prior to June 1st, 2018), and was therefore a candidate for classification through an automated scoring system. Utilizing variant allele frequency, disease prevalence and penetrance estimates, and inheritance mode, an automated score was calculated to assess if this variant is too frequent to cause the disease. Based on the score and internal cut-off values, a variant classified as benign is not then subjected to further curation. The score for this variant resulted in a classification of benign for this disease.

Ambry Genetics
Classification: Benign for Cardiovascular phenotype. Last evaluated: 2015-08-27. Review status: criteria provided, single submitter. Criteria: Ambry Variant Classification Scheme 2023. Collection method: clinical testing. Allele origin: germline.

Genome Diagnostics Laboratory, University Medical Center Utrecht
Classification: Benign for Telangiectasia, hereditary hemorrhagic, type 2. Last evaluated: 2014-10-10. Review status: criteria provided, single submitter. Criteria: ACGS Guidelines, 2013. Collection method: clinical testing. Allele origin: germline. Affected: yes. Study: VKGL Data-share Consensus.

GeneDx
Classification: Benign. Last evaluated: 2014-06-16. Review status: criteria provided, single submitter. Criteria: GeneDx Variant Classification (06012015). Collection method: clinical testing. Allele origin: germline. Affected: yes.
Comment: This variant is considered likely benign or benign based on one or more of the following criteria: it is a conservative change, it occurs at a poorly conserved position in the protein, it is predicted to be benign by multiple in silico algorithms, and/or has population frequency not consistent with disease.

Laboratory for Molecular Medicine, Mass General Brigham Personalized Medicine
Classification: Benign. Last evaluated: 2013-02-21. Review status: criteria provided, single submitter. Criteria: LMM Criteria. Collection method: clinical testing. Allele origin: germline. Observed: 2 variant alleles.
Comment: Val249Val in exon 6 of ACVRL1: This variant is not expected to have clinical sig nificance because it does not alter an amino acid residue and is not located wit hin the splice consensus sequence. It has been identified in 13.1% (576/4406) of African American chromosomes from a broad population by the NHLBI Exome Sequenc ing Project (dbSNP rs1058563).

Breakthrough Genomics
Classification: Benign. Review status: criteria provided, single submitter. Criteria: ACMG Guidelines, 2015. Collection method: not provided. Allele origin: germline. Inheritance: Autosomal dominant inheritance. Affected: yes.

PreventionGenetics, part of Exact Sciences
Classification: Benign. Review status: criteria provided, single submitter. Criteria: ACMG Guidelines, 2015. Collection method: clinical testing. Allele origin: germline.

Genome Diagnostics Laboratory, Amsterdam University Medical Center
Classification: Benign for Telangiectasia, hereditary hemorrhagic, type 2. Last evaluated: 2016-04-06. Review status: no assertion criteria provided. Criteria: ACGS Guidelines, 2013. Collection method: clinical testing. Allele origin: germline. Affected: yes. Study: VKGL Data-share Consensus. Not counted in ClinVar's aggregate classification.

Clinical Genetics, Academic Medical Center
Classification: Benign. Review status: no assertion criteria provided. Collection method: clinical testing. Allele origin: germline. Affected: yes. Study: VKGL Data-share Consensus. Not counted in ClinVar's aggregate classification.

NM_000020.3(ACVRL1):c.747G>A (p.Val249=)

Gene: ACVRL1 (activin A receptor like type 1; plus strand). Cytogenetic location: 12q13.13.
Variant type: single nucleotide variant.
Coding change: c.747G>A on transcript NM_000020.3 (MANE Select); coding-DNA position 747, G replaced by A.
Protein change: p.Val249=; no amino-acid change (valine 249 retained).
Molecular consequence: synonymous variant.
Genome position (GRCh38, 1-based): chr12:51,914,560, G>A. VCF-style: chr12-51914560-G-A. GRCh37 (hg19) VCF-style: chr12-52308344-G-A.
Other names: p.V249V:GTG>GTA; p.Val249=; c.747G>A, p.Val249= (NM_001077401.2).
Identifiers: ClinVar variation 212793 (VCV000212793.38), dbSNP rs1058563, ClinGen allele CA319942.
Genomic context (GRCh38, chr12:51,914,560, plus strand): 5'-GATCTTCTCCTCGAGGGATGAACAGTCCTGGTTCCGGGAGACTGAGATCTATAACACAGT[G>A]TTGCTCAGACACGACAACATCCTAGGCAAGGGGAGAGGCCAGCTGTGCCAGGCCTGGGGC-3'
Protein context (NP_000011.2, residues 239-259): WFRETEIYNT[Val249=]LLRHDNILGF